The following is an entry in ClinVar:

ClinVar aggregate classification (germline): Uncertain significance. Review status: criteria provided, multiple submitters, no conflicts (2 of 4 stars). 3 submissions from 3 submitters: Uncertain significance (2). 1 of the submissions does not count toward it. Last evaluated 2025-10-14.

Conditions:
Cohen syndrome (COH1). Also called: PEPPER SYNDROME; Cutis verticis gyrata, retinitis pigmentosa, and sensorineural deafness. Identifiers: Orphanet 193, MedGen C0265223, MONDO:0008999, OMIM 216550.
VPS13B-related disorder. Also called: VPS13B-related condition.

Allele frequency attached by ClinVar (database versions not stated): gnomAD exomes below 0.00001; ESP Exome Variant Server 0.00008.
gnomAD v4.1: 5 of 1,614,114 alleles (0.00031%); highest among the groups gnomAD compares: Non-Finnish European, 0.00042%; no homozygotes.

Submissions (3):

PreventionGenetics, part of Exact Sciences
Classification: Uncertain significance for VPS13B-related condition. Last evaluated: 2025-10-14. Review status: criteria provided, single submitter. Criteria: ACMG Guidelines, 2015. Collection method: clinical testing. Allele origin: germline.
Comment: The VPS13B c.2091A>T variant is predicted to result in the amino acid substitution p.Lys697Asn. To our knowledge, this variant has not been reported in the literature. This variant is reported in 0.00088% of alleles in individuals of European (Non-Finnish) descent in gnomAD. At this time, the clinical significance of this variant is uncertain due to the absence of conclusive functional and genetic evidence.

Labcorp Genetics (formerly Invitae), Labcorp
Classification: Uncertain significance for Cohen syndrome. Last evaluated: 2022-09-27. Review status: criteria provided, single submitter. Criteria: Invitae Variant Classification Sherloc (09022015). Collection method: clinical testing. Allele origin: germline.
Comment: This sequence change replaces lysine, which is basic and polar, with asparagine, which is neutral and polar, at codon 697 of the VPS13B protein (p.Lys697Asn). This variant is present in population databases (rs376694328, gnomAD 0.0009%). This variant has not been reported in the literature in individuals affected with VPS13B-related conditions. ClinVar contains an entry for this variant (Variation ID: 583221). Advanced modeling of protein sequence and biophysical properties (such as structural, functional, and spatial information, amino acid conservation, physicochemical variation, residue mobility, and thermodynamic stability) performed at Invitae indicates that this missense variant is expected to disrupt VPS13B protein function. In summary, the available evidence is currently insufficient to determine the role of this variant in disease. Therefore, it has been classified as a Variant of Uncertain Significance.

Natera, Inc.
Classification: Uncertain significance for Cohen syndrome. Last evaluated: 2021-04-01. Review status: no assertion criteria provided. Collection method: clinical testing. Allele origin: germline. Not counted in ClinVar's aggregate classification.

NM_152564.5(VPS13B):c.2091A>T (p.Lys697Asn)

Gene: VPS13B (vacuolar protein sorting 13 homolog B; plus strand). Cytogenetic location: 8q22.2.
Variant type: single nucleotide variant.
Coding change: c.2091A>T on transcript NM_152564.5 (MANE Select); coding-DNA position 2091, A replaced by T.
Protein change: p.Lys697Asn; replaces lysine 697 with asparagine.
Molecular consequence: missense variant.
Genome position (GRCh38, 1-based): chr8:99,156,626, A>T. VCF-style: chr8-99156626-A-T. GRCh37 (hg19) VCF-style: chr8-100168854-A-T.
Other names: c.2091A>T, p.Lys697Asn (NM_015243.3, NM_017890.5); c.2091A>T (NM_152564.4); short protein forms K697N.
Identifiers: ClinVar variation 583221 (VCV000583221.9), dbSNP rs376694328, ClinGen allele CA182902517.
Genomic context (GRCh38, chr8:99,156,626, plus strand): 5'-GAATACTACAAACTTCCAGTCTCTTCGGCCTTTGCCATCCATTCGAATATTGGTGGATAA[A>T]ATTAATCTGGAACATTCAGTGCCAATGTATGCTGAACAGTTGGTGCATGTGGTCAGCAGC-3'
Protein context (NP_689777.3, residues 687-707): PLPSIRILVD[Lys697Asn]INLEHSVPMY